The following is an entry in ClinVar:

NM_001039211.3(ATAD3C):c.1090-8C>T

Gene: ATAD3C (ATPase family AAA domain containing 3C; plus strand). Cytogenetic location: 1p36.33.
Variant type: single nucleotide variant.
Coding change: c.1090-8C>T on transcript NM_001039211.3 (MANE Select); 8 bases into the intron before coding-DNA position 1090, C replaced by T.
Molecular consequence: intron variant.
Genome position (GRCh38, 1-based): chr1:1,468,376, C>T. VCF-style: chr1-1468376-C-T. GRCh37 (hg19) VCF-style: chr1-1403756-C-T.
Identifiers: ClinVar variation 2638013 (VCV002638013.24), dbSNP rs372181219, ClinGen allele CA524001.
Genomic context (GRCh38, chr1:1,468,376, plus strand): 5'-GCCCTGGCGTGCATTTGGGGTGGGGGGTTCCCATGGCGGCCTCCCTCAGCTCCCTCTCTC[C>T]CCACTAGGCCACGGCGTATGCCTCCAAGGACGGGGTCCTGACCGAGGCCATGATGGACGC-3'

ClinVar aggregate classification (germline): Likely benign (1 of 4 stars; one submission).

Allele frequency attached by ClinVar (database versions not stated): 1000 Genomes Project 30x 0.00016; 1000 Genomes Project 0.00020; gnomAD 0.00090; ExAC 0.00095; ESP Exome Variant Server 0.00115; gnomAD exomes 0.00137; TOPMed 0.00181.
gnomAD v4.1: 2,147 of 1,604,810 alleles (0.13%); highest among the groups gnomAD compares: Non-Finnish European, 0.17%; 34 homozygotes.

Submission:

CeGaT Center for Human Genetics Tuebingen
Classification: Likely benign. Last evaluated: 2023-04-01. Review status: criteria provided, single submitter. Criteria: CeGaT Center For Human Genetics Tuebingen Variant Classification Criteria Version 2. Collection method: clinical testing. Allele origin: germline. Affected: yes. Observed: 1 variant allele.
Comment: ATAD3C: BP4, BS2